The following is an entry in ClinVar:

NM_001127511.3(APC):c.165+1G>T

Gene: APC (APC regulator of Wnt signaling pathway; plus strand). Cytogenetic location: 5q22.2.
Variant type: single nucleotide variant.
Coding change: c.165+1G>T on transcript NM_001127511.3; the canonical splice donor site of the intron after coding-DNA position 165, G replaced by T.
Molecular consequence: splice donor variant. On other transcripts: intron variant (5).
Genome position (GRCh38, 1-based): chr5:112,707,883, G>T. VCF-style: chr5-112707883-G-T. GRCh37 (hg19) VCF-style: chr5-112043580-G-T.
Other names: c.-1054+1G>T (NM_001407470.1, NM_001407472.1); c.-19+1G>T (NM_001407447.1, NM_001354895.2, NM_001407456.1 and 3 more transcripts); c.165+1G>T (NM_001407446.1, NM_001354897.2, NM_001354902.2); c.-19+234G>T (NM_001407448.1, NM_001407450.1, NM_001407457.1 and 1 more transcripts); c.-43+234G>T (NM_001407453.1).
Identifiers: ClinVar variation 2750121 (VCV002750121.3), dbSNP rs1239946140, ClinGen allele CA360612241.

ClinVar aggregate classification (germline): Uncertain significance (1 of 4 stars; one submission).

Conditions:
Familial adenomatous polyposis 1 (FAP1). Also called: FAMILIAL ADENOMATOUS POLYPOSIS 1, ATTENUATED; POLYPOSIS, ADENOMATOUS INTESTINAL. Identifiers: MedGen C2713442, MONDO:0021056, OMIM 175100. Disease mechanism: loss of function.

Submission:

Labcorp Genetics (formerly Invitae), Labcorp
Classification: Uncertain significance for Familial adenomatous polyposis 1. Last evaluated: 2023-12-11. Review status: criteria provided, single submitter. Criteria: Invitae Variant Classification Sherloc (09022015). Collection method: clinical testing. Allele origin: germline.
Comment: This variant occurs in a non-coding region of the APC gene. It does not change the encoded amino acid sequence of the APC protein. This variant is not present in population databases (gnomAD no frequency). This variant has not been reported in the literature in individuals affected with APC-related conditions. Experimental studies and prediction algorithms are not available or were not evaluated, and the functional significance of this variant is currently unknown. In summary, the available evidence is currently insufficient to determine the role of this variant in disease. Therefore, it has been classified as a Variant of Uncertain Significance.